The following is an entry in ClinVar:

ClinVar aggregate classification (germline): Uncertain significance (1 of 4 stars; one submission).

Allele frequency attached by ClinVar (database versions not stated): gnomAD exomes below 0.00001.
gnomAD v4.1: 1 of 1,612,012 alleles (0.000062%); highest among the groups gnomAD compares: Middle Eastern, 0.017%; no homozygotes.

Submission:

GeneDx
Classification: Uncertain significance. Last evaluated: 2022-10-14. Review status: criteria provided, single submitter. Criteria: GeneDx Variant Classification Process June 2021. Collection method: clinical testing. Allele origin: germline. Affected: yes.
Comment: Not observed at significant frequency in large population cohorts (gnomAD); In silico analysis supports that this missense variant does not alter protein structure/function; Has not been previously published as pathogenic or benign to our knowledge

NM_173689.7(CRB2):c.1876C>A (p.His626Asn)

Gene: CRB2 (crumbs cell polarity complex component 2; plus strand). Cytogenetic location: 9q33.3.
Variant type: single nucleotide variant.
Coding change: c.1876C>A on transcript NM_173689.7 (MANE Select); coding-DNA position 1876, C replaced by A.
Protein change: p.His626Asn; replaces histidine 626 with asparagine.
Molecular consequence: missense variant. On other transcripts: non-coding transcript variant (1).
Genome position (GRCh38, 1-based): chr9:123,370,929, C>A. VCF-style: chr9-123370929-C-A. GRCh37 (hg19) VCF-style: chr9-126133208-C-A.
Other names: short protein forms H626N.
Identifiers: ClinVar variation 2499375 (VCV002499375.1), dbSNP rs1354653116, ClinGen allele CA374864229.
Genomic context (GRCh38, chr9:123,370,929, plus strand): 5'-CGAGAGCAGTGCCGGCCTCTGCCTTGTGTCCACGGAGGGTCCTGTGTGGATCTGTGGACT[C>A]ATTTCCGTTGCGACTGTGCCCGGCCCCATAGAGGTCCCACGTGCGCTGATGGTGAGGAAT-3'
Protein context (NP_775960.4, residues 616-636): HGGSCVDLWT[His626Asn]FRCDCARPHR